The following is an entry in ClinVar:

ClinVar aggregate classification (germline): Uncertain significance (1 of 4 stars; one submission).

Conditions:
Dystonic disorder. Also called: Dystonia. Identifiers: MedGen C0013421, MONDO:0003441, HP:0001332.

Submission:

Labcorp Genetics (formerly Invitae), Labcorp
Classification: Uncertain significance for Dystonic disorder. Last evaluated: 2023-08-27. Review status: criteria provided, single submitter. Criteria: Invitae Variant Classification Sherloc (09022015). Collection method: clinical testing. Allele origin: germline.
Comment: This sequence change falls in intron 1 of the ANO3 gene. It does not directly change the encoded amino acid sequence of the ANO3 protein. It affects a nucleotide within the consensus splice site. This variant is not present in population databases (gnomAD no frequency). In summary, the available evidence is currently insufficient to determine the role of this variant in disease. Therefore, it has been classified as a Variant of Uncertain Significance. Variants that disrupt the consensus splice site are a relatively common cause of aberrant splicing (PMID: 17576681, 9536098). Algorithms developed to predict the effect of sequence changes on RNA splicing suggest that this variant is not likely to affect RNA splicing. This variant has not been reported in the literature in individuals affected with ANO3-related conditions.

Literature cited by the submitters: PubMed 17576681; PubMed 9536098.

NM_031418.4(ANO3):c.46+3C>T

Gene: ANO3 (anoctamin 3; plus strand). Cytogenetic location: 11p14.2.
Variant type: single nucleotide variant.
Coding change: c.46+3C>T on transcript NM_031418.4 (MANE Select); 3 bases into the intron after coding-DNA position 46, C replaced by T.
Molecular consequence: intron variant.
Genome position (GRCh38, 1-based): chr11:26,332,324, C>T. VCF-style: chr11-26332324-C-T. GRCh37 (hg19) VCF-style: chr11-26353871-C-T.
Other names: c.229+22605C>T (NM_001313726.2).
Identifiers: ClinVar variation 2755570 (VCV002755570.3), dbSNP rs2494346270, ClinGen allele CA2697548507.
Genomic context (GRCh38, chr11:26,332,324, plus strand): 5'-CGCAGAGTGAAAATGGTCCACCATTCAGGCTCCATTCAGTCCTTTAAACAGCAAAAAGGT[C>T]AGTTGGAATCTTGCTCCCCTCTCCCTGCGGGCGTCACTTCCCCCCTGCATGCCCTTGCAG-3'